The following is an entry in ClinVar:

ClinVar aggregate classification (germline): Benign/Likely benign. Review status: criteria provided, multiple submitters, no conflicts (2 of 4 stars). 3 submissions from 3 submitters: Benign (1); Likely benign (2). Last evaluated 2026-09-01.

Allele frequency attached by ClinVar (database versions not stated): 1000 Genomes Project 30x 0.00031; 1000 Genomes Project 0.00040; gnomAD 0.00112 and 0.00115; gnomAD exomes 0.00113 and 0.00204; TOPMed 0.00114; ESP Exome Variant Server 0.00178; ExAC 0.00269.
gnomAD v4.1: 3,038 of 1,584,264 alleles (0.19%); highest among the groups gnomAD compares: Non-Finnish European, 0.25%; 2 homozygotes.

Submissions (3):

CeGaT Center for Human Genetics Tuebingen
Classification: Likely benign. Last evaluated: 2026-09-01. Review status: criteria provided, single submitter. Criteria: CeGaT Center For Human Genetics Tuebingen Variant Classification Criteria Version 2. Collection method: clinical testing. Allele origin: germline. Affected: yes. Observed: 7 variant alleles.
Comment: DLL1: BP4, BS1

Labcorp Genetics (formerly Invitae), Labcorp
Classification: Benign. Last evaluated: 2025-11-17. Review status: criteria provided, single submitter. Criteria: Invitae Variant Classification Sherloc (09022015). Collection method: clinical testing. Allele origin: germline.

Blueprint Genetics
Classification: Likely benign. Last evaluated: 2024-11-15. Review status: criteria provided, single submitter. Criteria: ACMG Guidelines, 2015. Collection method: clinical testing. Allele origin: germline.

NM_005618.4(DLL1):c.1518G>A (p.Glu506=)

Gene: DLL1 (delta like canonical Notch ligand 1; minus strand). Cytogenetic location: 6q27.
Variant type: single nucleotide variant.
Coding change: c.1518G>A on transcript NM_005618.4 (MANE Select); coding-DNA position 1518, G replaced by A.
Protein change: p.Glu506=; no amino-acid change (glutamic acid 506 retained).
Molecular consequence: synonymous variant.
Genome position (GRCh38, 1-based): chr6:170,283,761, C>T on the plus strand (G>A on the coding strand, the complement: DLL1 is on the minus strand). VCF-style: chr6-170283761-C-T. GRCh37 (hg19) VCF-style: chr6-170592849-C-T.
Identifiers: ClinVar variation 782106 (VCV000782106.37), dbSNP rs369419165, ClinGen allele CA4106802.